The following is an entry in ClinVar:

ClinVar aggregate classification (germline): Uncertain significance (1 of 4 stars; one submission).

Submission:

Labcorp Genetics (formerly Invitae), Labcorp
Classification: Uncertain significance. Last evaluated: 2024-10-20. Review status: criteria provided, single submitter. Criteria: Invitae Variant Classification Sherloc (09022015). Collection method: clinical testing. Allele origin: germline.
Comment: This sequence change replaces alanine, which is neutral and non-polar, with serine, which is neutral and polar, at codon 167 of the FZD2 protein (p.Ala167Ser). This variant is not present in population databases (gnomAD no frequency). This variant has not been reported in the literature in individuals affected with FZD2-related conditions. An algorithm developed to predict the effect of missense changes on protein structure and function (PolyPhen-2) suggests that this variant is likely to be tolerated. In summary, the available evidence is currently insufficient to determine the role of this variant in disease. Therefore, it has been classified as a Variant of Uncertain Significance.

NM_001466.4(FZD2):c.499G>T (p.Ala167Ser)

Gene: FZD2 (frizzled class receptor 2; plus strand). Cytogenetic location: 17q21.31.
Variant type: single nucleotide variant.
Coding change: c.499G>T on transcript NM_001466.4 (MANE Select); coding-DNA position 499, G replaced by T.
Protein change: p.Ala167Ser; replaces alanine 167 with serine.
Molecular consequence: missense variant.
Genome position (GRCh38, 1-based): chr17:44,558,187, G>T. VCF-style: chr17-44558187-G-T. GRCh37 (hg19) VCF-style: chr17-42635555-G-T.
Other names: short protein forms A167S.
Identifiers: ClinVar variation 3723333 (VCV003723333.2).
Genomic context (GRCh38, chr17:44,558,187, plus strand): 5'-GAGCAGATCTGCGTCGGCCAGAACCACTCCGAGGACGGAGCTCCCGCGCTACTCACCACC[G>T]CGCCGCCGCCGGGACTGCAGCCGGGTGCCGGGGGCACCCCGGGTGGCCCGGGCGGCGGCG-3'
Protein context (NP_001457.1, residues 157-177): EDGAPALLTT[Ala167Ser]PPPGLQPGAG